The following is an entry in ClinVar:

ClinVar aggregate classification (germline): Uncertain significance. Review status: criteria provided, multiple submitters, no conflicts (2 of 4 stars). 2 submissions from 2 submitters: Uncertain significance (2). Last evaluated 2024-12-02.

Conditions:
Epidermolysis bullosa simplex 5B, with muscular dystrophy (EBS5B). Also called: EPIDERMOLYSIS BULLOSA SIMPLEX AND LIMB-GIRDLE MUSCULAR DYSTROPHY; Epidermolysis bullosa simplex with muscular dystrophy. Identifiers: Orphanet 257, MedGen C2931072, MONDO:0009181, OMIM 226670.
Epidermolysis bullosa simplex with nail dystrophy (EBS5D). Identifiers: MedGen C4225309, MONDO:0014661, OMIM 616487.
Epidermolysis bullosa simplex, Ogna type (EBS5A). Also called: Pidermolysis bullosa simplex 5A, Ogna type; EPIDERMOLYSIS BULLOSA SIMPLEX 5A, OGNA TYPE. Identifiers: Orphanet 79401, MedGen C0432317, MONDO:0007555, OMIM 131950.
Epidermolysis bullosa simplex 5C, with pyloric atresia (EBS5C). Also called: PLEC-Related Epidermolysis Bullosa with Pyloric Atresia; Epidermolysis bullosa simplex with pyloric atresia; PLEC1-Related Epidermolysis Bullosa with Pyloric Atresia. Identifiers: Orphanet 158684, MedGen C2677349, MONDO:0012807, OMIM 612138.
Autosomal recessive limb-girdle muscular dystrophy type 2Q (LGMDR17). Also called: MUSCULAR DYSTROPHY, LIMB-GIRDLE, AUTOSOMAL RECESSIVE 17. Identifiers: Orphanet 254361, MedGen C3150989, MONDO:0013390, OMIM 613723.

Allele frequency attached by ClinVar (database versions not stated): gnomAD 0.00001 and 0.00002; gnomAD exomes 0.00001; TOPMed 0.00001.
gnomAD v4.1: 15 of 1,594,230 alleles (0.00094%); highest among the groups gnomAD compares: East Asian, 0.0045%; no homozygotes.

Submissions (2):

Labcorp Genetics (formerly Invitae), Labcorp
Classification: Uncertain significance for Autosomal recessive limb-girdle muscular dystrophy type 2Q; Epidermolysis bullosa simplex, Ogna type; Epidermolysis bullosa simplex with nail dystrophy; Epidermolysis bullosa simplex 5C, with pyloric atresia; Epidermolysis bullosa simplex 5B, with muscular dystrophy. Last evaluated: 2024-12-02. Review status: criteria provided, single submitter. Criteria: Invitae Variant Classification Sherloc (09022015). Collection method: clinical testing. Allele origin: germline.
Comment: This sequence change replaces glutamic acid, which is acidic and polar, with lysine, which is basic and polar, at codon 1993 of the PLEC protein (p.Glu1993Lys). The frequency data for this variant in the population databases is considered unreliable, as metrics indicate poor data quality at this position in the gnomAD database. This variant has not been reported in the literature in individuals affected with PLEC-related conditions. ClinVar contains an entry for this variant (Variation ID: 1521373). Experimental studies and prediction algorithms are not available or were not evaluated, and the functional significance of this variant is currently unknown. In summary, the available evidence is currently insufficient to determine the role of this variant in disease. Therefore, it has been classified as a Variant of Uncertain Significance.

Breakthrough Genomics
Classification: Uncertain significance. Review status: criteria provided, single submitter. Criteria: ACMG Guidelines, 2015. Collection method: not provided. Allele origin: germline. Inheritance: Autosomal recessive inheritance. Affected: yes.

NM_201384.3(PLEC):c.5896G>A (p.Glu1966Lys)

Gene: PLEC (plectin; minus strand). Cytogenetic location: 8q24.3.
Variant type: single nucleotide variant.
Coding change: c.5896G>A on transcript NM_201384.3 (MANE Select); coding-DNA position 5896, G replaced by A.
Protein change: p.Glu1966Lys; replaces glutamic acid 1966 with lysine.
Molecular consequence: missense variant.
Genome position (GRCh38, 1-based): chr8:143,924,033, C>T on the plus strand (G>A on the coding strand, the complement: PLEC is on the minus strand). VCF-style: chr8-143924033-C-T. GRCh37 (hg19) VCF-style: chr8-144998201-C-T.
Other names: c.5977G>A, p.Glu1993Lys (NM_000445.5); c.5854G>A, p.Glu1952Lys (NM_201378.4); c.5830G>A, p.Glu1944Lys (NM_201379.3); c.6307G>A, p.Glu2103Lys (NM_201380.4); c.5800G>A, p.Glu1934Lys (NM_201381.3); c.5896G>A, p.Glu1966Lys (NM_201382.4); c.5908G>A, p.Glu1970Lys (NM_201383.3); short protein forms E1934K, E1952K, E1970K, E2103K, E1966K, E1993K, E1944K.
Identifiers: ClinVar variation 1521373 (VCV001521373.7), dbSNP rs782167428, ClinGen allele CA372540958.